The following is an entry in ClinVar:

ClinVar aggregate classification (germline): Likely benign (1 of 4 stars; one submission).

gnomAD v4.1: 1 of 1,613,936 alleles (0.000062%); highest among the groups gnomAD compares: Non-Finnish European, 0.000085%; no homozygotes.

Submission:

GeneDx
Classification: Likely benign. Last evaluated: 2025-01-30. Review status: criteria provided, single submitter. Criteria: GeneDx Variant Classification Process June 2021. Collection method: clinical testing. Allele origin: germline. Affected: yes.
Comment: See Variant Classification Assertion Criteria.

NM_001127644.2(GABRA1):c.-6C>G

Gene: GABRA1 (gamma-aminobutyric acid type A receptor subunit alpha1; plus strand). Cytogenetic location: 5q34.
Variant type: single nucleotide variant.
Coding change: c.-6C>G on transcript NM_001127644.2 (MANE Select); 6 bases upstream of the start codon, C replaced by G.
Molecular consequence: 5 prime UTR variant.
Genome position (GRCh38, 1-based): chr5:161,850,805, C>G. VCF-style: chr5-161850805-C-G. GRCh37 (hg19) VCF-style: chr5-161277811-C-G.
Other names: c.-6C>G (NM_000806.5, NM_001127643.2, NM_001127645.2 and 1 more transcripts).
Identifiers: ClinVar variation 3602209 (VCV003602209.2).